The following is an entry in ClinVar:

ClinVar aggregate classification (germline): Uncertain significance (1 of 4 stars; one submission).

Conditions:
Dextro-looped transposition of the great arteries. Also called: Dextrotransposition of the great arteries. Identifiers: Orphanet 860, MedGen C3531771, MONDO:0019443, OMIM 608808, HP:0031348.

Submission:

Labcorp Genetics (formerly Invitae), Labcorp
Classification: Uncertain significance for Dextro-looped transposition of the great arteries. Last evaluated: 2018-05-16. Review status: criteria provided, single submitter. Criteria: Invitae Variant Classification Sherloc (09022015). Collection method: clinical testing. Allele origin: germline.
Comment: Algorithms developed to predict the effect of missense changes on protein structure and function (SIFT, PolyPhen-2, Align-GVGD) all suggest that this variant is likely to be disruptive, but these predictions have not been confirmed by published functional studies and their clinical significance is uncertain. This variant is not present in population databases (ExAC no frequency). In summary, the available evidence is currently insufficient to determine the role of this variant in disease. Therefore, it has been classified as a Variant of Uncertain Significance. This variant has not been reported in the literature in individuals with MED13L-related disease. This sequence change replaces cysteine with tyrosine at codon 1160 of the MED13L protein (p.Cys1160Tyr). The cysteine residue is highly conserved and there is a large physicochemical difference between cysteine and tyrosine.

NM_015335.5(MED13L):c.3479G>A (p.Cys1160Tyr)

Gene: MED13L (mediator complex subunit 13L; minus strand). Cytogenetic location: 12q24.21.
Variant type: single nucleotide variant.
Coding change: c.3479G>A on transcript NM_015335.5 (MANE Select); coding-DNA position 3479, G replaced by A.
Protein change: p.Cys1160Tyr; replaces cysteine 1160 with tyrosine.
Molecular consequence: missense variant.
Genome position (GRCh38, 1-based): chr12:115,991,475, C>T on the plus strand (G>A on the coding strand, the complement: MED13L is on the minus strand). VCF-style: chr12-115991475-C-T. GRCh37 (hg19) VCF-style: chr12-116429280-C-T.
Other names: short protein forms C1160Y.
Identifiers: ClinVar variation 567228 (VCV000567228.9), dbSNP rs1565997289, ClinGen allele CA386887647.
Genomic context (GRCh38, chr12:115,991,475, plus strand): 5'-AGGAAGAGTCCTGAATTGTAGCCAAGTTTGCGGTTCATAATCGCACTAAACCCACAGGTA[C>T]AGCGGTACTGGTCCTCATTGGAAGAATCGGGGATGTAAAGCCCGACATCCGCCCCTTTGA-3'
Protein context (NP_056150.1, residues 1150-1170): PDSSNEDQYR[Cys1160Tyr]TCGFSAIMNR